The following is an entry in ClinVar:

NM_000383.4(AIRE):c.1396C>T (p.Pro466Ser)

Gene: AIRE (autoimmune regulator; plus strand). Cytogenetic location: 21q22.3.
Variant type: single nucleotide variant.
Coding change: c.1396C>T on transcript NM_000383.4 (MANE Select); coding-DNA position 1396, C replaced by T.
Protein change: p.Pro466Ser; replaces proline 466 with serine.
Molecular consequence: missense variant.
Genome position (GRCh38, 1-based): chr21:44,293,906, C>T. VCF-style: chr21-44293906-C-T. GRCh37 (hg19) VCF-style: chr21-45713789-C-T.
Other names: c.1396C>T (NM_000383.3); short protein forms P466S.
Identifiers: ClinVar variation 1034462 (VCV001034462.10), dbSNP rs1411629170, ClinGen allele CA410425831.

ClinVar aggregate classification (germline): Uncertain significance. Review status: criteria provided, single submitter (1 of 4 stars). 2 submissions from 2 submitters: Uncertain significance (1). 1 of the submissions does not count toward it. Last evaluated 2024-02-24.

Conditions:
Polyglandular autoimmune syndrome, type 1 (APS1). Also called: AUTOIMMUNE POLYENDOCRINE SYNDROME, TYPE I, WITH OR WITHOUT REVERSIBLE METAPHYSEAL DYSPLASIA; Autoimmune polyendocrine syndrome type 1; PGA I; HYPOADRENOCORTICISM WITH HYPOPARATHYROIDISM AND SUPERFICIAL MONILIASIS; Whitaker syndrome; APS I. Identifiers: Orphanet 3453, MedGen C0085859, MONDO:0009411, OMIM 240300.

Allele frequency attached by ClinVar (database versions not stated): gnomAD exomes below 0.00001; TOPMed below 0.00001.
gnomAD v4.1: 1 of 1,596,590 alleles (0.000063%); highest among the groups gnomAD compares: Non-Finnish European, 0.000085%; no homozygotes.

Submissions (2):

Labcorp Genetics (formerly Invitae), Labcorp
Classification: Uncertain significance for Polyglandular autoimmune syndrome, type 1. Last evaluated: 2024-02-24. Review status: criteria provided, single submitter. Criteria: Invitae Variant Classification Sherloc (09022015). Collection method: clinical testing. Allele origin: germline.
Comment: This sequence change replaces proline, which is neutral and non-polar, with serine, which is neutral and polar, at codon 466 of the AIRE protein (p.Pro466Ser). This variant is present in population databases (no rsID available, gnomAD 0.006%). This variant has not been reported in the literature in individuals affected with AIRE-related conditions. ClinVar contains an entry for this variant (Variation ID: 1034462). Advanced modeling of protein sequence and biophysical properties (such as structural, functional, and spatial information, amino acid conservation, physicochemical variation, residue mobility, and thermodynamic stability) performed at Invitae indicates that this missense variant is not expected to disrupt AIRE protein function with a negative predictive value of 95%. In summary, the available evidence is currently insufficient to determine the role of this variant in disease. Therefore, it has been classified as a Variant of Uncertain Significance.

Natera, Inc.
Classification: Uncertain significance for Polyglandular autoimmune syndrome type 1. Last evaluated: 2025-04-10. Review status: no assertion criteria provided. Collection method: clinical testing. Allele origin: germline. Not counted in ClinVar's aggregate classification.